The following is an entry in ClinVar:

NM_006206.6(PDGFRA):c.155A>G (p.Glu52Gly)

Gene: PDGFRA (platelet derived growth factor receptor alpha; plus strand). Cytogenetic location: 4q12.
Variant type: single nucleotide variant.
Coding change: c.155A>G on transcript NM_006206.6 (MANE Select); coding-DNA position 155, A replaced by G.
Protein change: p.Glu52Gly; replaces glutamic acid 52 with glycine.
Molecular consequence: missense variant.
Genome position (GRCh38, 1-based): chr4:54,261,200, A>G. VCF-style: chr4-54261200-A-G. GRCh37 (hg19) VCF-style: chr4-55127367-A-G.
Other names: c.194A>G, p.Glu65Gly (NM_001347830.2); c.155A>G, p.Glu52Gly (NM_001347827.2, NM_001347829.2); c.230A>G, p.Glu77Gly (NM_001347828.2); short protein forms E52G, E65G, E77G.
Identifiers: ClinVar variation 3305492 (VCV003305492.1).

ClinVar aggregate classification (germline): Uncertain significance (1 of 4 stars; one submission).

Conditions:
Hereditary cancer-predisposing syndrome. Also called: Tumor predisposition; Hereditary Cancer Syndrome; Hereditary neoplastic syndrome; Neoplastic Syndromes, Hereditary. Identifiers: Orphanet 140162, MedGen C0027672, MeSH D009386, MONDO:0015356.

gnomAD v4.1: 3 of 1,614,074 alleles (0.00019%); highest among the groups gnomAD compares: Non-Finnish European, 0.00017%; no homozygotes.

Submission:

Ambry Genetics
Classification: Uncertain significance for Hereditary cancer-predisposing syndrome. Last evaluated: 2024-06-16. Review status: criteria provided, single submitter. Criteria: Ambry Variant Classification Scheme 2023. Collection method: clinical testing. Allele origin: germline.
Comment: The p.E52G variant (also known as c.155A>G), located in coding exon 2 of the PDGFRA gene, results from an A to G substitution at nucleotide position 155. The glutamic acid at codon 52 is replaced by glycine, an amino acid with similar properties. This amino acid position is conserved. In addition, this alteration is predicted to be tolerated by in silico analysis. Based on the available evidence, the clinical significance of this variant remains unclear.